The following is an entry in ClinVar:

ClinVar aggregate classification (germline): Uncertain significance (1 of 4 stars; one submission).

Conditions:
Long QT syndrome (LQTS). Identifiers: MedGen C0023976, MeSH D008133, MONDO:0002442. Disease mechanism: loss of function. Inheritance: Various modes of inheritance.

Submissions (2):

Labcorp Genetics (formerly Invitae), Labcorp
Classification: Uncertain significance for Long QT syndrome. Last evaluated: 2022-07-06. Review status: criteria provided, single submitter. Criteria: Invitae Variant Classification Sherloc (09022015). Collection method: clinical testing. Allele origin: germline.
Comment: In summary, the available evidence is currently insufficient to determine the role of this variant in disease. Therefore, it has been classified as a Variant of Uncertain Significance. Algorithms developed to predict the effect of missense changes on protein structure and function (SIFT, PolyPhen-2, Align-GVGD) all suggest that this variant is likely to be tolerated. This variant has not been reported in the literature in individuals affected with KCNE1-related conditions. This variant is not present in population databases (gnomAD no frequency). This sequence change replaces alanine, which is neutral and non-polar, with serine, which is neutral and polar, at codon 8 of the KCNE1 protein (p.Ala8Ser).

Roden Lab, Vanderbilt University Medical Center
No classification provided (evidence only). Condition: Long QT syndrome 5. Review status: no classification provided. Collection method: in vitro. Allele origin: not applicable. Functional consequence: Effect on ion channel function. Not counted in ClinVar's aggregate classification.
ClinVar note: "not provided" was previously submitted as the classification for the variant. However, the classification appeared to be based only on an observation of functional data so it was converted to no classification on 2025-07-30.

NM_000219.6(KCNE1):c.22G>T (p.Ala8Ser)

Gene: KCNE1 (potassium voltage-gated channel subfamily E regulatory subunit 1; minus strand). Cytogenetic location: 21q22.12.
Variant type: single nucleotide variant.
Coding change: c.22G>T on transcript NM_000219.6 (MANE Select); coding-DNA position 22, G replaced by T.
Protein change: p.Ala8Ser; replaces alanine 8 with serine.
Molecular consequence: missense variant.
Genome position (GRCh38, 1-based): chr21:34,449,613, C>A on the plus strand (G>T on the coding strand, the complement: KCNE1 is on the minus strand). VCF-style: chr21-34449613-C-A. GRCh37 (hg19) VCF-style: chr21-35821911-C-A.
Other names: c.22G>T, p.Ala8Ser (NM_001127668.4, NM_001127669.4, NM_001127670.4 and 4 more transcripts); short protein forms A8S.
Identifiers: ClinVar variation 2118370 (VCV002118370.6), dbSNP rs2516765228, ClinGen allele CA410198628.
Genomic context (GRCh38, chr21:34,449,613, plus strand): 5'-ACATGTTGCCACCCTGCTGAACTGTCTCCTGCCACAGCTTGGTCAGAAAGGGCGTCACCG[C>A]TGTGGTGTTAGACAGGATCATCCTGGGCATTAAGGTTCCACTGCTGCAGCTCAAACTTCC-3'
Protein context (NP_000210.2, residues 1-18): MILSNTT[Ala8Ser]VTPFLTKLWQ